The following is an entry in ClinVar:

NM_000238.4(KCNH2):c.1715G>T (p.Gly572Val)

Gene: KCNH2 (potassium voltage-gated channel subfamily H member 2; minus strand). Cytogenetic location: 7q36.1.
Variant type: single nucleotide variant.
Coding change: c.1715G>T on transcript NM_000238.4 (MANE Select); coding-DNA position 1715, G replaced by T.
Protein change: p.Gly572Val; replaces glycine 572 with valine.
Molecular consequence: missense variant.
Genome position (GRCh38, 1-based): chr7:150,951,678, C>A on the plus strand (G>T on the coding strand, the complement: KCNH2 is on the minus strand). VCF-style: chr7-150951678-C-A. GRCh37 (hg19) VCF-style: chr7-150648766-C-A.
Other names: p.G572V:GGC>GTC; c.1715G>T (LRG_288t1); c.695G>T, p.Gly232Val (NM_172057.3, NM_001204798.2); c.1427G>T, p.Gly476Val (NM_001406753.1, NM_001406756.1); c.1538G>T, p.Gly513Val (NM_001406755.1); c.1415G>T, p.Gly472Val (NM_001406757.1); c.1715G>T, p.Gly572Val (NM_172056.3); short protein forms G232V, G572V, G513V, G472V, G476V.
Identifiers: ClinVar variation 67251 (VCV000067251.7), dbSNP rs199473423, ClinGen allele CA005271.

ClinVar aggregate classification (germline): Pathogenic/Likely pathogenic. Review status: criteria provided, multiple submitters, no conflicts (2 of 4 stars). 3 submissions from 3 submitters: Pathogenic (1); Likely pathogenic (1). 1 of the submissions does not count toward it. Last evaluated 2023-04-22.

Conditions:
Familial long QT syndrome (RWS). Also called: Congenital long QT syndrome; Romano-Ward syndrome; VENTRICULAR FIBRILLATION WITH PROLONGED QT INTERVAL. Identifiers: Orphanet 768, MedGen C1141890, MONDO:0019171.
Long QT syndrome (LQTS). Identifiers: MedGen C0023976, MeSH D008133, MONDO:0002442. Disease mechanism: loss of function. Inheritance: Various modes of inheritance.

Submissions (3):

Labcorp Genetics (formerly Invitae), Labcorp
Classification: Likely pathogenic for Long QT syndrome. Last evaluated: 2023-04-22. Review status: criteria provided, single submitter. Criteria: Invitae Variant Classification Sherloc (09022015). Collection method: clinical testing. Allele origin: germline.
Comment: This missense change has been observed in individuals with clinical features of long QT syndrome (PMID: 19716085, 22949429; Invitae). In summary, the currently available evidence indicates that the variant is pathogenic, but additional data are needed to prove that conclusively. Therefore, this variant has been classified as Likely Pathogenic. This variant disrupts the p.Gly572 amino acid residue in KCNH2. Other variant(s) that disrupt this residue have been determined to be pathogenic (PMID: 15176425, 19490267, 22949429, 27803431). This suggests that this residue is clinically significant, and that variants that disrupt this residue are likely to be disease-causing. Experimental studies have shown that this missense change affects KCNH2 function (PMID: 25417810). An algorithm developed to predict the effect of missense changes on protein structure and function (PolyPhen-2) suggests that this variant is likely to be disruptive. ClinVar contains an entry for this variant (Variation ID: 67251). This variant is not present in population databases (gnomAD no frequency). This sequence change replaces glycine, which is neutral and non-polar, with valine, which is neutral and non-polar, at codon 572 of the KCNH2 protein (p.Gly572Val).

GeneDx
Classification: Pathogenic. Last evaluated: 2016-05-04. Review status: criteria provided, single submitter. Criteria: GeneDx Variant Classification (06012015). Collection method: clinical testing. Allele origin: germline. Affected: yes.
Comment: The Gly572Val variant in the KCNH2 gene has been reported previously in one individual with LQTS and it was absent from more than 2,600 reference alleles. Also, the NHLBI ESP Exome Variant Server reports Gly572Val was not observed in approximately 5,000 samples from individuals of European and African American backgrounds, indicating it is not a common benign variant in these populations. Variants in this codon (Gly572Arg, Gly572Asp, Gly572Cys, Gly572Ser) and in nearby codons (Ile571Leu, Ile571Val, Met574Val) have been reported in association with LQTS, further supporting the functional importance of this region of the protein.

Cardiovascular Biomedical Research Unit, Royal Brompton & Harefield NHS Foundation Trust
No classification provided. Condition: Familial long QT syndrome. Review status: no classification provided. Collection method: literature only. Allele origin: germline. Not counted in ClinVar's aggregate classification.
Comment: This variant has been reported as associated with Long QT syndrome in the following publications (PMID:19716085;PMID:19841300). This is a literature report, and does not necessarily reflect the clinical interpretation of the Imperial College / Royal Brompton Cardiovascular Genetics laboratory.

Literature cited by the submitters: PubMed 19716085 (cited by Labcorp Genetics (formerly Invitae), Labcorp and Cardiovascular Biomedical Research Unit, Royal Brompton & Harefield NHS Foundation Trust); PubMed 22949429 (cited by Labcorp Genetics (formerly Invitae), Labcorp); PubMed 15176425 (cited by Labcorp Genetics (formerly Invitae), Labcorp); PubMed 19490267 (cited by Labcorp Genetics (formerly Invitae), Labcorp); PubMed 27803431 (cited by Labcorp Genetics (formerly Invitae), Labcorp); PubMed 25417810 (cited by Labcorp Genetics (formerly Invitae), Labcorp); PubMed 19841300 (cited by Cardiovascular Biomedical Research Unit, Royal Brompton & Harefield NHS Foundation Trust); PubMed 22581653 (cited by Cardiovascular Biomedical Research Unit, Royal Brompton & Harefield NHS Foundation Trust).